The following is an entry in ClinVar:

NM_001270520.2(DAAM1):c.1560+9T>G

Gene: DAAM1 (dishevelled associated activator of morphogenesis 1; plus strand). Cytogenetic location: 14q23.1.
Variant type: single nucleotide variant.
Coding change: c.1560+9T>G on transcript NM_001270520.2 (MANE Select); 9 bases into the intron after coding-DNA position 1560, T replaced by G.
Molecular consequence: intron variant.
Genome position (GRCh38, 1-based): chr14:59,330,697, T>G. VCF-style: chr14-59330697-T-G. GRCh37 (hg19) VCF-style: chr14-59797415-T-G.
Other names: c.1560+9T>G (NM_014992.2).
Identifiers: ClinVar variation 720499 (VCV000720499.6), dbSNP rs17096104, ClinGen allele CA7207524.

ClinVar aggregate classification (germline): Benign. Review status: criteria provided, single submitter (1 of 4 stars). 2 submissions from 2 submitters: Benign (1). 1 of the submissions does not count toward it. Last evaluated 2019-12-31.

Conditions:
DAAM1-related disorder. Also called: DAAM1-related condition.

Allele frequency attached by ClinVar (database versions not stated): 1000 Genomes Project 0.00679; ExAC 0.00204; gnomAD 0.00653 and 0.00706; 1000 Genomes Project 30x 0.00781; ESP Exome Variant Server 0.00938; gnomAD exomes 0.00173; TOPMed 0.00716.
gnomAD v4.1: 1,890 of 1,599,220 alleles (0.12%); highest among the groups gnomAD compares: African/African-American, 2.3%; 26 homozygotes.

Submissions (2):

Labcorp Genetics (formerly Invitae), Labcorp
Classification: Benign. Last evaluated: 2019-12-31. Review status: criteria provided, single submitter. Criteria: Invitae Variant Classification Sherloc (09022015). Collection method: clinical testing. Allele origin: germline.

PreventionGenetics, part of Exact Sciences
Classification: Benign for DAAM1-related condition. Last evaluated: 2019-12-03. Review status: no assertion criteria provided. Collection method: clinical testing. Allele origin: germline. Not counted in ClinVar's aggregate classification.
Comment: This variant is classified as benign based on ACMG/AMP sequence variant interpretation guidelines (Richards et al. 2015 PMID: 25741868, with internal and published modifications).